The following is an entry in ClinVar:

ClinVar aggregate classification (germline): Uncertain significance (1 of 4 stars; one submission).

Conditions:
Inborn genetic diseases. Identifiers: MedGen C0950123, MeSH D030342.

Submission:

Ambry Genetics
Classification: Uncertain significance for Inborn genetic diseases. Last evaluated: 2025-05-05. Review status: criteria provided, single submitter. Criteria: Ambry Variant Classification Scheme 2023. Collection method: clinical testing. Allele origin: germline.
Comment: The p.I1312V variant (also known as c.3934A>G), located in coding exon 27 of the ANKRD26 gene, results from an A to G substitution at nucleotide position 3934. The isoleucine at codon 1312 is replaced by valine, an amino acid with highly similar properties. This amino acid position is conserved. In addition, this alteration is predicted to be tolerated by in silico analysis. Based on the available evidence, the clinical significance of this variant remains unclear.

NM_014915.3(ANKRD26):c.3934A>G (p.Ile1312Val)

Gene: ANKRD26 (ankyrin repeat domain containing 26; minus strand). Cytogenetic location: 10p12.1.
Variant type: single nucleotide variant.
Coding change: c.3934A>G on transcript NM_014915.3 (MANE Select); coding-DNA position 3934, A replaced by G.
Protein change: p.Ile1312Val; replaces isoleucine 1312 with valine.
Molecular consequence: missense variant.
Genome position (GRCh38, 1-based): chr10:27,028,890, T>C on the plus strand (A>G on the coding strand, the complement: ANKRD26 is on the minus strand). VCF-style: chr10-27028890-T-C. GRCh37 (hg19) VCF-style: chr10-27317819-T-C.
Other names: c.3931A>G, p.Ile1311Val (NM_001256053.2); short protein forms I1312V, I1311V.
Identifiers: ClinVar variation 3914199 (VCV003914199.1).